The following is an entry in ClinVar:

NM_000054.7(AVPR2):c.691G>T (p.Glu231Ter)

Gene: AVPR2 (arginine vasopressin receptor 2; plus strand). Cytogenetic location: Xq28.
Variant type: single nucleotide variant.
Coding change: c.691G>T on transcript NM_000054.7 (MANE Select); coding-DNA position 691, G replaced by T.
Protein change: p.Glu231Ter; replaces glutamic acid 231 with a stop codon.
Molecular consequence: nonsense. On other transcripts: non-coding transcript variant (1).
Genome position (GRCh38, 1-based): chrX:153,906,197, G>T. VCF-style: chrX-153906197-G-T. GRCh37 (hg19) VCF-style: chrX-153171651-G-T.
Other names: c.691G>T, p.Glu231Ter (NM_001146151.3); short protein forms E231*.
Identifiers: ClinVar variation 2737428 (VCV002737428.3), dbSNP rs1484689525, ClinGen allele CA415108371.
Genomic context (GRCh38, chrX:153,906,197, plus strand): 5'-CTGATGGTGTTCGTGGCACCTACCCTGGGTATCGCCGCCTGCCAGGTGCTCATCTTCCGG[G>T]AGATTCATGCCAGTCTGGTGCCAGGGCCATCAGAGAGGCCTGGGGGGCGCCGCAGGGGAC-3'

ClinVar aggregate classification (germline): Pathogenic (1 of 4 stars; one submission).

Submission:

Labcorp Genetics (formerly Invitae), Labcorp
Classification: Pathogenic. Last evaluated: 2023-08-17. Review status: criteria provided, single submitter. Criteria: Invitae Variant Classification Sherloc (09022015). Collection method: clinical testing. Allele origin: germline.
Comment: For these reasons, this variant has been classified as Pathogenic. This premature translational stop signal has been observed in individual(s) with nephrogenic diabetes insipidus (PMID: 7993996). This variant is not present in population databases (gnomAD no frequency). This sequence change creates a premature translational stop signal (p.Glu231*) in the AVPR2 gene. It is expected to result in an absent or disrupted protein product. Loss-of-function variants in AVPR2 are known to be pathogenic (PMID: 8037205, 10820168).

Literature cited by the submitters: PubMed 7993996; PubMed 8037205; PubMed 10820168.